The following is an entry in ClinVar:

NM_032043.3(BRIP1):c.328T>G (p.Tyr110Asp)

Gene: BRIP1 (BRCA1 interacting DNA helicase 1; minus strand). Cytogenetic location: 17q23.2.
Variant type: single nucleotide variant.
Coding change: c.328T>G on transcript NM_032043.3 (MANE Select); coding-DNA position 328, T replaced by G.
Protein change: p.Tyr110Asp; replaces tyrosine 110 with aspartic acid.
Molecular consequence: missense variant.
Genome position (GRCh38, 1-based): chr17:61,857,109, A>C on the plus strand (T>G on the coding strand, the complement: BRIP1 is on the minus strand). VCF-style: chr17-61857109-A-C. GRCh37 (hg19) VCF-style: chr17-59934470-A-C.
Other names: short protein forms Y110D.
Identifiers: ClinVar variation 2449921 (VCV002449921.2), dbSNP rs1555617821, ClinGen allele CA400485359.

ClinVar aggregate classification (germline): Uncertain significance (1 of 4 stars; one submission).

Conditions:
Hereditary cancer-predisposing syndrome. Also called: Neoplastic Syndromes, Hereditary; Tumor predisposition; Hereditary neoplastic syndrome; Hereditary Cancer Syndrome. Identifiers: Orphanet 140162, MedGen C0027672, MeSH D009386, MONDO:0015356.

Submission:

Ambry Genetics
Classification: Uncertain significance for Hereditary cancer-predisposing syndrome. Last evaluated: 2022-11-26. Review status: criteria provided, single submitter. Criteria: Ambry Variant Classification Scheme 2023. Collection method: clinical testing. Allele origin: germline.
Comment: The p.Y110D variant (also known as c.328T>G), located in coding exon 3 of the BRIP1 gene, results from a T to G substitution at nucleotide position 328. The tyrosine at codon 110 is replaced by aspartic acid, an amino acid with highly dissimilar properties. This amino acid position is conserved. In addition, this alteration is predicted to be tolerated by in silico analysis. Since supporting evidence is limited at this time, the clinical significance of this alteration remains unclear.